The following is an entry in ClinVar:

NM_001177701.3(IFT27):c.-6G>A

Genes: IFT27 (intraflagellar transport 27; minus strand), LOC130067336 (ATAC-STARR-seq lymphoblastoid silent region 13671; plus strand). Cytogenetic location: 22q12.3.
Variant type: single nucleotide variant.
Coding change: c.-6G>A on transcript NM_001177701.3 (MANE Select); 6 bases upstream of the start codon, G replaced by A.
Molecular consequence: 5 prime UTR variant. On other transcripts: non-coding transcript variant (1).
Genome position (GRCh38, 1-based): chr22:36,775,713, C>T on the plus strand (G>A on the coding strand, the complement: IFT27 is on the minus strand). VCF-style: chr22-36775713-C-T. GRCh37 (hg19) VCF-style: chr22-37171757-C-T.
Other names: c.-6G>A (NM_001363003.2, NM_006860.5).
Identifiers: ClinVar variation 3044156 (VCV003044156.2), dbSNP rs117576168, ClinGen allele CA10212588.

ClinVar aggregate classification (germline): Benign (0 of 4 stars; one submission).

Conditions:
IFT27-related disorder. Also called: IFT27-related condition.

Allele frequency attached by ClinVar (database versions not stated): gnomAD exomes 0.00033; ExAC 0.00043; 1000 Genomes Project 30x 0.00125; 1000 Genomes Project 0.00140.
gnomAD v4.1: 506 of 1,614,100 alleles (0.031%); highest among the groups gnomAD compares: East Asian, 1.1%; 3 homozygotes.

Submission:

PreventionGenetics, part of Exact Sciences
Classification: Benign for IFT27-related condition. Last evaluated: 2021-06-02. Review status: no assertion criteria provided. Collection method: clinical testing. Allele origin: germline.
Comment: This variant is classified as benign based on ACMG/AMP sequence variant interpretation guidelines (Richards et al. 2015 PMID: 25741868, with internal and published modifications).